The following is an entry in ClinVar:

ClinVar aggregate classification (germline): Uncertain significance (1 of 4 stars; one submission).

Allele frequency attached by ClinVar (database versions not stated): gnomAD exomes below 0.00001; TOPMed below 0.00001.
gnomAD v4.1: 2 of 1,614,168 alleles (0.00012%); highest among the groups gnomAD compares: Non-Finnish European, 0.000085%; no homozygotes.

Submission:

Labcorp Genetics (formerly Invitae), Labcorp
Classification: Uncertain significance. Last evaluated: 2022-09-09. Review status: criteria provided, single submitter. Criteria: Invitae Variant Classification Sherloc (09022015). Collection method: clinical testing. Allele origin: germline.
Comment: In summary, the available evidence is currently insufficient to determine the role of this variant in disease. Therefore, it has been classified as a Variant of Uncertain Significance. Algorithms developed to predict the effect of missense changes on protein structure and function are either unavailable or do not agree on the potential impact of this missense change (SIFT: "Deleterious"; PolyPhen-2: "Benign"; Align-GVGD: "Class C0"). This variant has not been reported in the literature in individuals affected with TTBK2-related conditions. This variant is not present in population databases (gnomAD no frequency). This sequence change replaces valine, which is neutral and non-polar, with phenylalanine, which is neutral and non-polar, at codon 934 of the TTBK2 protein (p.Val934Phe).

NM_173500.4(TTBK2):c.2800G>T (p.Val934Phe)

Gene: TTBK2 (tau tubulin kinase 2; minus strand). Cytogenetic location: 15q15.2.
Variant type: single nucleotide variant.
Coding change: c.2800G>T on transcript NM_173500.4 (MANE Select); coding-DNA position 2800, G replaced by T.
Protein change: p.Val934Phe; replaces valine 934 with phenylalanine.
Molecular consequence: missense variant.
Genome position (GRCh38, 1-based): chr15:42,752,446, C>A on the plus strand (G>T on the coding strand, the complement: TTBK2 is on the minus strand). VCF-style: chr15-42752446-C-A. GRCh37 (hg19) VCF-style: chr15-43044644-C-A.
Other names: short protein forms V934F.
Identifiers: ClinVar variation 1962197 (VCV001962197.5), dbSNP rs2061879018, ClinGen allele CA392071689.